The following is an entry in ClinVar:

ClinVar aggregate classification (germline): Likely benign (0 of 4 stars; one submission).

Conditions:
NLRP2-related disorder. Also called: NLRP2-related condition.

Allele frequency attached by ClinVar (database versions not stated): gnomAD exomes 0.00001; ExAC 0.00002; gnomAD 0.00002; TOPMed 0.00002.
gnomAD v4.1: 22 of 1,614,032 alleles (0.0014%); highest among the groups gnomAD compares: African/African-American, 0.0027%; no homozygotes.

Submission:

PreventionGenetics, part of Exact Sciences
Classification: Likely benign for NLRP2-related condition. Last evaluated: 2021-04-01. Review status: no assertion criteria provided. Collection method: clinical testing. Allele origin: germline.
Comment: This variant is classified as likely benign based on ACMG/AMP sequence variant interpretation guidelines (Richards et al. 2015 PMID: 25741868, with internal and published modifications).

NM_017852.5(NLRP2):c.1888C>T (p.Leu630=)

Gene: NLRP2 (NLR family pyrin domain containing 2; plus strand). Cytogenetic location: 19q13.42.
Variant type: single nucleotide variant.
Coding change: c.1888C>T on transcript NM_017852.5 (MANE Select); coding-DNA position 1888, C replaced by T.
Protein change: p.Leu630=; no amino-acid change (leucine 630 retained).
Molecular consequence: synonymous variant. On other transcripts: non-coding transcript variant (1).
Genome position (GRCh38, 1-based): chr19:54,983,586, C>T. VCF-style: chr19-54983586-C-T. GRCh37 (hg19) VCF-style: chr19-55494954-C-T.
Other names: c.1888C>T, p.Leu630= (NM_001174081.3); c.1822C>T, p.Leu608= (NM_001174082.3); c.1819C>T, p.Leu607= (NM_001174083.2); c.1879C>T, p.Leu627= (NM_001348003.2).
Identifiers: ClinVar variation 3030997 (VCV003030997.2), dbSNP rs748514810, ClinGen allele CA310105789.